The following is an entry in ClinVar:

ClinVar aggregate classification (germline): Uncertain significance. Review status: criteria provided, single submitter (1 of 4 stars). 2 submissions from 2 submitters: Uncertain significance (1). 1 of the submissions does not count toward it. Last evaluated 2025-02-17.

Conditions:
Finnish congenital nephrotic syndrome (NPHS1). Also called: NEPHROTIC SYNDROME, TYPE 1. Identifiers: Orphanet 839, MedGen C0403399, MONDO:0009732, OMIM 256300.

Allele frequency attached by ClinVar (database versions not stated): gnomAD exomes 0.00001.
gnomAD v4.1: 3 of 1,614,074 alleles (0.00019%); highest among the groups gnomAD compares: Non-Finnish European, 0.00025%; no homozygotes.

Submissions (2):

Women's Health and Genetics/Laboratory Corporation of America, LabCorp
Classification: Uncertain significance. Last evaluated: 2025-02-17. Review status: criteria provided, single submitter. Criteria: LabCorp Variant Classification Summary - May 2015. Collection method: clinical testing. Allele origin: germline.
Comment: Variant summary: NPHS1 c.1126C>G (p.Leu376Val) results in a conservative amino acid change located in the Ig-like domain (IPR007110) of the encoded protein sequence. Three of five in-silico tools predict a damaging effect of the variant on protein function. The variant allele was found at a frequency of 8e-06 in 251242 control chromosomes. The available data on variant occurrences in the general population are insufficient to allow any conclusion about variant significance. c.1126C>G has been reported in the literature in individuals with clinical presentations consistent with Nephrotic Syndrome (e.g., Lenkkeri_1999, Lowik_2008). These reports do not provide unequivocal conclusions about association of the variant with Nephrotic Syndrome, Type 1. At least two publications report experimental evidence evaluating an impact on protein function (e.g., Liu_2001, Miyai_2014). These publications reported no impariment of trafficking or translocation of protein with this variant when compared to wild-type. The following publications have been ascertained in the context of this evaluation (PMID: 9915943, 11726550, 18443213, 24142548). ClinVar contains an entry for this variant (Variation ID: 56425). Based on the evidence outlined above, the variant was classified as uncertain significance.

Juha Muilu Group; Institute for Molecular Medicine Finland (FIMM)
Classification: Likely pathogenic for Finnish congenital nephrotic syndrome. Review status: no assertion criteria provided. Collection method: not provided. Allele origin: unknown. Not counted in ClinVar's aggregate classification.
Comment: FinDis database variant: This variant was not found or characterized by our laboratory, data were collected from public sources: see reference
ClinVar note: Converted during submission from probable-pathogenic to Likely pathogenic.

Literature cited by the submitters: PubMed 11726550 (cited by Women's Health and Genetics/Laboratory Corporation of America, LabCorp); PubMed 9915943 (cited by Women's Health and Genetics/Laboratory Corporation of America, LabCorp); PubMed 18443213 (cited by Women's Health and Genetics/Laboratory Corporation of America, LabCorp); PubMed 24142548 (cited by Women's Health and Genetics/Laboratory Corporation of America, LabCorp).

NM_004646.4(NPHS1):c.1126C>G (p.Leu376Val)

Gene: NPHS1 (NPHS1 adhesion molecule, nephrin; minus strand). Cytogenetic location: 19q13.12.
Variant type: single nucleotide variant.
Coding change: c.1126C>G on transcript NM_004646.4 (MANE Select); coding-DNA position 1126, C replaced by G.
Protein change: p.Leu376Val; replaces leucine 376 with valine.
Molecular consequence: missense variant.
Genome position (GRCh38, 1-based): chr19:35,848,681, G>C on the plus strand (C>G on the coding strand, the complement: NPHS1 is on the minus strand). VCF-style: chr19-35848681-G-C. GRCh37 (hg19) VCF-style: chr19-36339583-G-C.
Other names: short protein forms L376V.
Identifiers: ClinVar variation 56425 (VCV000056425.3), dbSNP rs386833868, ClinGen allele CA250096.